The following is an entry in ClinVar:

NM_021930.6(RINT1):c.1874A>G (p.Tyr625Cys)

Gene: RINT1 (RAD50 interactor 1; plus strand). Cytogenetic location: 7q22.3.
Variant type: single nucleotide variant.
Coding change: c.1874A>G on transcript NM_021930.6 (MANE Select); coding-DNA position 1874, A replaced by G.
Protein change: p.Tyr625Cys; replaces tyrosine 625 with cysteine.
Molecular consequence: missense variant. On other transcripts: non-coding transcript variant (1).
Genome position (GRCh38, 1-based): chr7:105,563,935, A>G. VCF-style: chr7-105563935-A-G. GRCh37 (hg19) VCF-style: chr7-105204382-A-G.
Other names: c.1640A>G, p.Tyr547Cys (NM_001346599.2); c.851A>G, p.Tyr284Cys (NM_001346600.2, NM_001346603.2); c.950A>G, p.Tyr317Cys (NM_001346601.2); short protein forms Y317C, Y625C, Y284C, Y547C.
Identifiers: ClinVar variation 3945975 (VCV003945975.1).

ClinVar aggregate classification (germline): Uncertain significance (1 of 4 stars; one submission).

gnomAD v4.1: 3 of 1,613,454 alleles (0.00019%); highest among the groups gnomAD compares: Non-Finnish European, 0.00025%; no homozygotes.

Submission:

Ambry Genetics
Classification: Uncertain significance. Last evaluated: 2025-03-27. Review status: criteria provided, single submitter. Criteria: Ambry Variant Classification Scheme 2023. Collection method: clinical testing. Allele origin: germline.
Comment: The p.Y625C variant (also known as c.1874A>G), located in coding exon 12 of the RINT1 gene, results from an A to G substitution at nucleotide position 1874. The tyrosine at codon 625 is replaced by cysteine, an amino acid with highly dissimilar properties. This amino acid position is conserved. In addition, this alteration is predicted to be deleterious by in silico analysis. Based on the available evidence, the clinical significance of this variant remains unclear.